The following is an entry in ClinVar:

NM_138420.4(AHNAK2):c.6127G>A (p.Ala2043Thr)

Gene: AHNAK2 (AHNAK nucleoprotein 2; minus strand). Cytogenetic location: 14q32.33.
Variant type: single nucleotide variant.
Coding change: c.6127G>A on transcript NM_138420.4 (MANE Select); coding-DNA position 6127, G replaced by A.
Protein change: p.Ala2043Thr; replaces alanine 2043 with threonine.
Molecular consequence: missense variant.
Genome position (GRCh38, 1-based): chr14:104,949,324, C>T on the plus strand (G>A on the coding strand, the complement: AHNAK2 is on the minus strand). VCF-style: chr14-104949324-C-T. GRCh37 (hg19) VCF-style: chr14-105415661-C-T.
Other names: c.5827G>A, p.Ala1943Thr (NM_001350929.2); short protein forms A1943T, A2043T.
Identifiers: ClinVar variation 2644754 (VCV002644754.24), dbSNP rs200010377, ClinGen allele CA7381329.

ClinVar aggregate classification (germline): Likely benign (1 of 4 stars; one submission).

Allele frequency attached by ClinVar (database versions not stated): 1000 Genomes Project 30x 0.00109; 1000 Genomes Project 0.01637.

Submission:

CeGaT Center for Human Genetics Tuebingen
Classification: Likely benign. Last evaluated: 2023-07-01. Review status: criteria provided, single submitter. Criteria: CeGaT Center For Human Genetics Tuebingen Variant Classification Criteria Version 2. Collection method: clinical testing. Allele origin: germline. Affected: yes. Observed: 2 variant alleles.
Comment: AHNAK2: BP4, BS2